The following is an entry in ClinVar:

ClinVar aggregate classification (germline): Uncertain significance (1 of 4 stars; one submission).

Submission:

Ambry Genetics
Classification: Uncertain significance. Last evaluated: 2024-07-06. Review status: criteria provided, single submitter. Criteria: Ambry Variant Classification Scheme 2023. Collection method: clinical testing. Allele origin: germline.
Comment: The p.I130M variant (also known as c.390C>G), located in coding exon 4 of the KIF1B gene, results from a C to G substitution at nucleotide position 390. The isoleucine at codon 130 is replaced by methionine, an amino acid with highly similar properties. This amino acid position is conserved. In addition, this alteration is predicted to be deleterious by in silico analysis. Since supporting evidence is limited at this time, the clinical significance of this alteration remains unclear.

NM_001365951.3(KIF1B):c.390C>G (p.Ile130Met)

Genes: KIF1B (kinesin family member 1B; plus strand), LOC129388447 (MPRA-validated peak65 silencer; plus strand). Cytogenetic location: 1p36.22.
Variant type: single nucleotide variant.
Coding change: c.390C>G on transcript NM_001365951.3 (MANE Select); coding-DNA position 390, C replaced by G.
Protein change: p.Ile130Met; replaces isoleucine 130 with methionine.
Molecular consequence: missense variant.
Genome position (GRCh38, 1-based): chr1:10,261,931, C>G. VCF-style: chr1-10261931-C-G. GRCh37 (hg19) VCF-style: chr1-10321989-C-G.
Other names: c.390C>G, p.Ile130Met (NM_001365952.1, NM_001365953.1, NM_015074.3 and 1 more transcripts); short protein forms I130M.
Identifiers: ClinVar variation 1736090 (VCV001736090.3), dbSNP rs2520966588, ClinGen allele CA338327000.
Genomic context (GRCh38, chr1:10,261,931, plus strand): 5'-TGCTCTTCATGCCTCTCTCATTCTACTTCCCTAGTTATGTGAAGAACTTTTTGAGAAAAT[C>G]AATGACAACTGTAATGAAGAAATGTCTTACTCTGTAGAGGTGAGTACAGCCGTGAGTTGA-3'
Protein context (NP_001352880.1, residues 120-140): PQLCEELFEK[Ile130Met]NDNCNEEMSY